The following is an entry in ClinVar:

NM_001291303.3(FAT4):c.8887C>T (p.Pro2963Ser)

Gene: FAT4 (FAT atypical cadherin 4; plus strand). Cytogenetic location: 4q28.1.
Variant type: single nucleotide variant.
Coding change: c.8887C>T on transcript NM_001291303.3 (MANE Select); coding-DNA position 8887, C replaced by T.
Protein change: p.Pro2963Ser; replaces proline 2963 with serine.
Molecular consequence: missense variant.
Genome position (GRCh38, 1-based): chr4:125,449,897, C>T. VCF-style: chr4-125449897-C-T. GRCh37 (hg19) VCF-style: chr4-126371052-C-T.
Other names: c.8887C>T, p.Pro2963Ser (NM_001291285.3); c.8881C>T, p.Pro2961Ser (NM_024582.6); short protein forms P2961S, P2963S.
Identifiers: ClinVar variation 2002660 (VCV002002660.4), dbSNP rs2530899638, ClinGen allele CA358148238.

ClinVar aggregate classification (germline): Uncertain significance (1 of 4 stars; one submission).

Submission:

Labcorp Genetics (formerly Invitae), Labcorp
Classification: Uncertain significance. Last evaluated: 2022-06-07. Review status: criteria provided, single submitter. Criteria: Invitae Variant Classification Sherloc (09022015). Collection method: clinical testing. Allele origin: germline.
Comment: This sequence change replaces proline, which is neutral and non-polar, with serine, which is neutral and polar, at codon 2961 of the FAT4 protein (p.Pro2961Ser). This variant is not present in population databases (gnomAD no frequency). This variant has not been reported in the literature in individuals affected with FAT4-related conditions. Advanced modeling of protein sequence and biophysical properties (such as structural, functional, and spatial information, amino acid conservation, physicochemical variation, residue mobility, and thermodynamic stability) performed at Invitae indicates that this missense variant is not expected to disrupt FAT4 protein function. In summary, the available evidence is currently insufficient to determine the role of this variant in disease. Therefore, it has been classified as a Variant of Uncertain Significance.